The following is an entry in ClinVar:

ClinVar aggregate classification (germline): Benign/Likely benign. Review status: criteria provided, multiple submitters, no conflicts (2 of 4 stars). 7 submissions from 7 submitters: Benign (4); Likely benign (2). 1 of the submissions does not count toward it. Last evaluated 2026-09-01.

Conditions:
FOXP1-related disorder. Also called: FOXP1-related condition.
Inborn genetic diseases. Identifiers: MedGen C0950123, MeSH D030342.

Allele frequency attached by ClinVar (database versions not stated): ESP Exome Variant Server 0.00069; TOPMed 0.00079; gnomAD 0.00088 and 0.00119; gnomAD exomes 0.00188 and 0.00230; 1000 Genomes Project 0.00200; 1000 Genomes Project 30x 0.00219; ExAC 0.00230.
gnomAD v4.1: 2,905 of 1,613,400 alleles (0.18%); highest among the groups gnomAD compares: South Asian, 1.3%; 20 homozygotes.

Submissions (7):

CeGaT Center for Human Genetics Tuebingen
Classification: Benign. Last evaluated: 2026-09-01. Review status: criteria provided, single submitter. Criteria: CeGaT Center For Human Genetics Tuebingen Variant Classification Criteria Version 2. Collection method: clinical testing. Allele origin: germline. Affected: yes. Observed: 10 variant alleles.
Comment: FOXP1: BP4, BS1, BS2

Labcorp Genetics (formerly Invitae), Labcorp
Classification: Benign. Last evaluated: 2026-02-03. Review status: criteria provided, single submitter. Criteria: Invitae Variant Classification Sherloc (09022015). Collection method: clinical testing. Allele origin: germline.

GeneDx
Classification: Likely benign. Last evaluated: 2021-04-20. Review status: criteria provided, single submitter. Criteria: GeneDx Variant Classification Process June 2021. Collection method: clinical testing. Allele origin: germline. Affected: yes.

Ambry Genetics
Classification: Benign for Inborn genetic diseases. Last evaluated: 2017-01-31. Review status: criteria provided, single submitter. Criteria: Ambry Variant Classification Scheme 2023. Collection method: clinical testing. Allele origin: germline.

Genetic Services Laboratory, University of Chicago
Classification: Benign. Last evaluated: 2016-08-12. Review status: criteria provided, single submitter. Criteria: ACMG Guidelines, 2015. Collection method: clinical testing. Allele origin: germline. Affected: no.

Breakthrough Genomics
Classification: Likely benign. Review status: criteria provided, single submitter. Criteria: ACMG Guidelines, 2015. Collection method: not provided. Allele origin: germline. Inheritance: Autosomal dominant inheritance. Affected: yes.

PreventionGenetics, part of Exact Sciences
Classification: Benign for FOXP1-related condition. Last evaluated: 2019-06-27. Review status: no assertion criteria provided. Collection method: clinical testing. Allele origin: germline. Not counted in ClinVar's aggregate classification.
Comment: This variant is classified as benign based on ACMG/AMP sequence variant interpretation guidelines (Richards et al. 2015 PMID: 25741868, with internal and published modifications).

NM_001349338.3(FOXP1):c.1413A>G (p.Ala471=)

Gene: FOXP1 (forkhead box P1; minus strand). Cytogenetic location: 3p13.
Variant type: single nucleotide variant.
Coding change: c.1413A>G on transcript NM_001349338.3 (MANE Select); coding-DNA position 1413, A replaced by G.
Protein change: p.Ala471=; no amino-acid change (alanine 471 retained).
Molecular consequence: synonymous variant. On other transcripts: non-coding transcript variant (2).
Genome position (GRCh38, 1-based): chr3:70,977,658, T>C on the plus strand (A>G on the coding strand, the complement: FOXP1 is on the minus strand). VCF-style: chr3-70977658-T-C. GRCh37 (hg19) VCF-style: chr3-71026809-T-C.
Other names: c.1410A>G, p.Ala470= (NM_001244808.3, NM_001349341.3); c.1413A>G, p.Ala471= (NM_001244810.2, NM_001244814.3, NM_001244816.2 and 2 more transcripts); c.1185A>G, p.Ala395= (NM_001244812.3); c.1113A>G, p.Ala371= (NM_001244813.3, NM_001244815.2, NM_001349342.3); c.1110A>G, p.Ala370= (NM_001349337.2, NM_001349343.3, NM_001349344.3 and 1 more transcripts).
Identifiers: ClinVar variation 211037 (VCV000211037.47), dbSNP rs144080925, ClinGen allele CA207733.